The following is an entry in ClinVar:

NM_000435.3(NOTCH3):c.5510G>A (p.Arg1837His)

Gene: NOTCH3 (notch receptor 3; minus strand). Cytogenetic location: 19p13.12.
Variant type: single nucleotide variant.
Coding change: c.5510G>A on transcript NM_000435.3 (MANE Select); coding-DNA position 5510, G replaced by A.
Protein change: p.Arg1837His; replaces arginine 1837 with histidine.
Molecular consequence: missense variant.
Genome position (GRCh38, 1-based): chr19:15,165,944, C>T on the plus strand (G>A on the coding strand, the complement: NOTCH3 is on the minus strand). VCF-style: chr19-15165944-C-T. GRCh37 (hg19) VCF-style: chr19-15276755-C-T.
Other names: p.Arg1837His; c.5510G>A (NM_000435.2); short protein forms R1837H.
Identifiers: ClinVar variation 1601818 (VCV001601818.12), dbSNP rs138265894, ClinGen allele CA9262609.

ClinVar aggregate classification (germline): Benign/Likely benign. Review status: criteria provided, multiple submitters, no conflicts (2 of 4 stars). 4 submissions from 4 submitters: Benign (2); Likely benign (2). Last evaluated 2026-01-16.

Conditions:
NOTCH3-related disorder. Also called: NOTCH3-related disorders; NOTCH3-related condition.

Allele frequency attached by ClinVar (database versions not stated): gnomAD exomes 0.00078; 1000 Genomes Project 0.00080; ExAC 0.00085; TOPMed 0.00015; ESP Exome Variant Server 0.00031; gnomAD 0.00066; 1000 Genomes Project 30x 0.00078.
gnomAD v4.1: 647 of 1,614,130 alleles (0.04%); highest among the groups gnomAD compares: East Asian, 0.025%; 2 homozygotes.

Submissions (4):

PreventionGenetics, part of Exact Sciences
Classification: Likely benign for NOTCH3-related condition. Last evaluated: 2026-01-16. Review status: criteria provided, single submitter. Criteria: ACMG Guidelines, 2015. Collection method: clinical testing. Allele origin: germline.
Comment: This variant is classified as likely benign based on ACMG/AMP sequence variant interpretation guidelines (Richards et al. 2015 PMID: 25741868, with internal and published modifications).

Labcorp Genetics (formerly Invitae), Labcorp
Classification: Benign. Last evaluated: 2025-03-10. Review status: criteria provided, single submitter. Criteria: Invitae Variant Classification Sherloc (09022015). Collection method: clinical testing. Allele origin: germline.

Blueprint Genetics
Classification: Likely benign. Last evaluated: 2024-10-21. Review status: criteria provided, single submitter. Criteria: ACMG Guidelines, 2015. Collection method: clinical testing. Allele origin: germline.

Mayo Clinic Laboratories, Mayo Clinic
Classification: Benign. Last evaluated: 2023-09-06. Review status: criteria provided, single submitter. Criteria: ACMG Guidelines, 2015. Collection method: clinical testing. Allele origin: germline. Observed: 3 variant alleles.
Comment: BS1, BS2

Literature cited by the submitters: PubMed 32573853 (cited by Mayo Clinic Laboratories, Mayo Clinic); PubMed 36086804 (cited by Mayo Clinic Laboratories, Mayo Clinic).